The following is an entry in ClinVar:

ClinVar aggregate classification (germline): Likely benign (1 of 4 stars; one submission).

Allele frequency attached by ClinVar (database versions not stated): gnomAD 0.00001; gnomAD exomes 0.00001; ExAC 0.00003.
gnomAD v4.1: 23 of 1,613,924 alleles (0.0014%); highest among the groups gnomAD compares: South Asian, 0.0022%; no homozygotes.

Submission:

CeGaT Center for Human Genetics Tuebingen
Classification: Likely benign. Last evaluated: 2022-07-01. Review status: criteria provided, single submitter. Criteria: CeGaT Center For Human Genetics Tuebingen Variant Classification Criteria Version 2. Collection method: clinical testing. Allele origin: germline. Affected: yes. Observed: 1 variant allele.
Comment: EXOC7: BP4, BP7

NM_001013839.4(EXOC7):c.492C>T (p.Val164=)

Gene: EXOC7 (exocyst complex component 7; minus strand). Cytogenetic location: 17q25.1.
Variant type: single nucleotide variant.
Coding change: c.492C>T on transcript NM_001013839.4 (MANE Select); coding-DNA position 492, C replaced by T.
Protein change: p.Val164=; no amino-acid change (valine 164 retained).
Molecular consequence: synonymous variant.
Genome position (GRCh38, 1-based): chr17:76,097,944, G>A on the plus strand (C>T on the coding strand, the complement: EXOC7 is on the minus strand). VCF-style: chr17-76097944-G-A. GRCh37 (hg19) VCF-style: chr17-74094025-G-A.
Other names: c.369C>T, p.Val123= (NM_001145296.1, NM_001282313.2); c.492C>T, p.Val164= (NM_001145297.4, NM_001145298.4, NM_001145299.4 and 4 more transcripts).
Identifiers: ClinVar variation 2648298 (VCV002648298.24), dbSNP rs781768459, ClinGen allele CA8781648.